The following is an entry in ClinVar:

NM_003482.4(KMT2D):c.14728CCT[1] (p.Pro4911del)

Gene: KMT2D (lysine methyltransferase 2D; minus strand). Cytogenetic location: 12q13.12.
Variant type: Microsatellite.
Coding change: c.14728CCT[1] on transcript NM_003482.4 (MANE Select); one copy of the 3-base unit CCT starting at c.14728; the reference has two copies in a row; one copy, 3 bases deleted.
Protein change: p.Pro4911del; deletes proline 4911.
Molecular consequence: inframe deletion.
Genome position (GRCh38, 1-based): chr12:49,027,233-49,027,235, AGG deleted on the plus strand (CCT on the coding strand, the reverse complement: KMT2D is on the minus strand); deleting any 3 consecutive bases within chr12:49,027,233-49,027,238 gives the same sequence; the position shown is the placement nearest the transcript's 3' end. VCF-style (leftmost placement, unchanged base first): chr12-49027232-CAGG-C. GRCh37 (hg19) VCF-style: chr12-49421015-CAGG-C.
Other names: short protein forms P4911del.
Identifiers: ClinVar variation 2145736 (VCV002145736.5), dbSNP rs2499039900, ClinGen allele CA2575144047.

ClinVar aggregate classification (germline): Conflicting classifications of pathogenicity. Review status: criteria provided, conflicting classifications (1 of 4 stars). 2 submissions from 2 submitters: Uncertain significance (1); Likely benign (1). Last evaluated 2025-01-27.

Conditions:
Kabuki syndrome. Also called: NIIKAWA-KUROKI SYNDROME; Kabuki make-up syndrome. Identifiers: Orphanet 2322, MedGen C0796004, MONDO:0016512.

Submissions (2):

Labcorp Genetics (formerly Invitae), Labcorp
Classification: Uncertain significance for Kabuki syndrome. Last evaluated: 2025-01-27. Review status: criteria provided, single submitter. Criteria: Invitae Variant Classification Sherloc (09022015). Collection method: clinical testing. Allele origin: germline.
Comment: This variant, c.14731_14733del, results in the deletion of 1 amino acid(s) of the KMT2D protein (p.Pro4911del), but otherwise preserves the integrity of the reading frame. This variant is not present in population databases (gnomAD no frequency). This variant has not been reported in the literature in individuals affected with KMT2D-related conditions. Experimental studies and prediction algorithms are not available or were not evaluated, and the functional significance of this variant is currently unknown. In summary, the available evidence is currently insufficient to determine the role of this variant in disease. Therefore, it has been classified as a Variant of Uncertain Significance.

Blueprint Genetics
Classification: Likely benign. Last evaluated: 2022-07-13. Review status: criteria provided, single submitter. Criteria: ACMG Guidelines, 2015. Collection method: clinical testing. Allele origin: germline.